The following is an entry in ClinVar:

ClinVar aggregate classification (germline): Benign. Review status: criteria provided, multiple submitters, no conflicts (2 of 4 stars). 3 submissions from 3 submitters: Benign (3). Last evaluated 2026-04-03.

Conditions:
EPG5-related disorder. Also called: EPG5-related condition. Identifiers: MedGen CN381528.
Vici syndrome (VICIS). Identifiers: Orphanet 1493, MedGen C1855772, MONDO:0009452, OMIM 242840.

Allele frequency attached by ClinVar (database versions not stated): ESP Exome Variant Server 0.00260; TOPMed 0.00335; 1000 Genomes Project 30x 0.00453; 1000 Genomes Project 0.00519.
gnomAD v4.1: 1,043 of 1,611,458 alleles (0.065%); highest among the groups gnomAD compares: African/African-American, 1.1%; 6 homozygotes.

Submissions (3):

PreventionGenetics, part of Exact Sciences
Classification: Benign for EPG5-related condition. Last evaluated: 2026-04-03. Review status: criteria provided, single submitter. Criteria: ACMG Guidelines, 2015. Collection method: clinical testing. Allele origin: germline.
Comment: This variant is classified as benign based on ACMG/AMP sequence variant interpretation guidelines (Richards et al. 2015 PMID: 25741868, with internal and published modifications).

Labcorp Genetics (formerly Invitae), Labcorp
Classification: Benign for Vici syndrome. Last evaluated: 2026-01-28. Review status: criteria provided, single submitter. Criteria: Invitae Variant Classification Sherloc (09022015). Collection method: clinical testing. Allele origin: germline.

CeGaT Center for Human Genetics Tuebingen
Classification: Benign. Last evaluated: 2022-09-01. Review status: criteria provided, single submitter. Criteria: CeGaT Center For Human Genetics Tuebingen Variant Classification Criteria Version 2. Collection method: clinical testing. Allele origin: germline. Affected: yes. Observed: 1 variant allele.
Comment: EPG5: BP4, BS1, BS2

NM_020964.3(EPG5):c.5584G>A (p.Ala1862Thr)

Gene: EPG5 (ectopic P-granules 5 autophagy tethering factor; minus strand). Cytogenetic location: 18q12.3.
Variant type: single nucleotide variant.
Coding change: c.5584G>A on transcript NM_020964.3 (MANE Select); coding-DNA position 5584, G replaced by A.
Protein change: p.Ala1862Thr; replaces alanine 1862 with threonine.
Molecular consequence: missense variant.
Genome position (GRCh38, 1-based): chr18:45,880,158, C>T on the plus strand (G>A on the coding strand, the complement: EPG5 is on the minus strand). VCF-style: chr18-45880158-C-T. GRCh37 (hg19) VCF-style: chr18-43460123-C-T.
Other names: c.5584G>A, p.Ala1862Thr (LRG_1234t1); short protein forms A1862T.
Identifiers: ClinVar variation 466256 (VCV000466256.43), dbSNP rs34977955, ClinGen allele CA8948552.